The following is an entry in ClinVar:

NM_004360.5(CDH1):c.305C>G (p.Ala102Gly)

Gene: CDH1 (cadherin 1; plus strand). Cytogenetic location: 16q22.1.
Variant type: single nucleotide variant.
Coding change: c.305C>G on transcript NM_004360.5 (MANE Select); coding-DNA position 305, C replaced by G.
Protein change: p.Ala102Gly; replaces alanine 102 with glycine.
Molecular consequence: missense variant. On other transcripts: 5 prime UTR variant (2).
Genome position (GRCh38, 1-based): chr16:68,801,811, C>G. VCF-style: chr16-68801811-C-G. GRCh37 (hg19) VCF-style: chr16-68835714-C-G.
Other names: c.305C>G, p.Ala102Gly (NM_001317184.2); c.-1311C>G (NM_001317185.2); c.-1515C>G (NM_001317186.2); short protein forms A102G.
Identifiers: ClinVar variation 491532 (VCV000491532.6), dbSNP rs786202689, ClinGen allele CA396457349.

ClinVar aggregate classification (germline): Uncertain significance (1 of 4 stars; one submission).

Conditions:
Hereditary cancer-predisposing syndrome. Also called: Hereditary neoplastic syndrome; Tumor predisposition; Hereditary Cancer Syndrome; Neoplastic Syndromes, Hereditary. Identifiers: Orphanet 140162, MedGen C0027672, MeSH D009386, MONDO:0015356.

Submission:

Color Diagnostics, LLC DBA Color Health
Classification: Uncertain significance for Hereditary cancer-predisposing syndrome. Last evaluated: 2023-12-04. Review status: criteria provided, single submitter. Criteria: ACMG Guidelines, 2015. Collection method: clinical testing. Allele origin: germline.
Comment: This missense variant replaces alanine with glycine at codon 102 of the CDH1 protein. To our knowledge, functional studies have not been reported for this variant. This variant has not been reported in individuals affected with CDH1-related disorders in the literature. This variant has not been identified in the general population by the Genome Aggregation Database (gnomAD). The available evidence is insufficient to determine the role of this variant in disease conclusively. Therefore, this variant is classified as a Variant of Uncertain Significance.